The following is an entry in ClinVar:

NM_001351169.2(NT5C2):c.1665GGA[4] (p.Glu561del)

Genes: CNNM2 (cyclin and CBS domain divalent metal cation transport mediator 2; plus strand), NT5C2 (5'-nucleotidase, cytosolic II; minus strand). Cytogenetic location: 10q24.32.
Variant type: Microsatellite.
Coding change: c.1665GGA[4] on transcript NM_001351169.2 (MANE Select); four copies in a row of the 3-base unit GGA starting at c.1665; the reference has five copies in a row; one copy, 3 bases deleted.
Protein change: p.Glu561del; deletes glutamic acid 561.
Molecular consequence: inframe deletion. On other transcripts: inframe indel (2), 3 prime UTR variant (2).
Genome position (GRCh38, 1-based): chr10:103,089,679-103,089,681, TCC deleted on the plus strand (GGA on the coding strand, the reverse complement: NT5C2 is on the minus strand); deleting any 3 consecutive bases within chr10:103,089,679-103,089,695 gives the same sequence; the position shown is the placement nearest the transcript's 3' end. VCF-style (leftmost placement, unchanged base first): chr10-103089678-TTCC-T. GRCh37 (hg19) VCF-style: chr10-104849435-TTCC-T.
Other names: c.1665GGA[4], p.Glu561del (NM_001134373.3, NM_012229.5); c.1689GGA[4], p.Glu569del (NM_001351170.2, NM_001351171.2, NM_001351172.2 and 1 more transcripts); c.1578GGA[4], p.Glu532del (NM_001351174.1); c.1572GGA[4], p.Glu530del (NM_001351175.2); c.1092GGA[4], p.Glu370del (NM_001351176.2, NM_001351177.2, NM_001351178.2 and 16 more transcripts); c.951GGA[4], p.Glu323del (NM_001351194.2, NM_001351195.2, NM_001351196.2); c.1663_1665GAG[4], p.Glu561del (NM_012229.4); c.*12501CTC[4] (NM_017649.5, NM_199076.3); and 1 more; short protein forms E323del, E370del, E530del, E532del, E561del, E569del.
Identifiers: ClinVar variation 1025816 (VCV001025816.8), dbSNP rs537259520, ClinGen allele CA5670696.

ClinVar aggregate classification (germline): Conflicting classifications of pathogenicity. Review status: criteria provided, conflicting classifications (1 of 4 stars). 2 submissions from 2 submitters: Uncertain significance (1); Likely benign (1). Last evaluated 2025-06-23.

Conditions:
Hereditary spastic paraplegia 45. Also called: SPASTIC PARAPLEGIA 45; Spastic paraplegia 45, autosomal recessive. Identifiers: Orphanet 320396, MedGen C3888209, MONDO:0013165, OMIM 613162.
Hereditary spastic paraplegia. Also called: Familial spastic paraparesis. Identifiers: Orphanet 685, MedGen C0037773, MONDO:0019064. Disease mechanism: loss of function.

Submissions (2):

Labcorp Genetics (formerly Invitae), Labcorp
Classification: Uncertain significance for Hereditary spastic paraplegia 45. Last evaluated: 2025-06-23. Review status: criteria provided, single submitter. Criteria: Invitae Variant Classification Sherloc (09022015). Collection method: clinical testing. Allele origin: germline.
Comment: This sequence change creates a premature translational stop signal (p.Glu561*) in the NT5C2 gene. While this is not anticipated to result in nonsense mediated decay, it is expected to disrupt the last 3 amino acid(s) of the NT5C2 protein. The frequency data for this variant in the population databases is considered unreliable, as metrics indicate poor data quality at this position in the gnomAD database. This variant has not been reported in the literature in individuals affected with NT5C2-related conditions. Experimental studies and prediction algorithms are not available or were not evaluated, and the functional significance of this variant is currently unknown. In summary, the available evidence is currently insufficient to determine the role of this variant in disease. Therefore, it has been classified as a Variant of Uncertain Significance.

Genome Diagnostics Laboratory, The Hospital for Sick Children
Classification: Likely benign for Hereditary spastic paraplegia. Last evaluated: 2016-12-12. Review status: criteria provided, single submitter. Criteria: ACMG Guidelines, 2015. Collection method: clinical testing. Allele origin: germline. Affected: yes.